The following is an entry in ClinVar:

NM_000553.6(WRN):c.3302A>C (p.Glu1101Ala)

Gene: WRN (WRN RecQ like helicase; plus strand). Cytogenetic location: 8p12.
Variant type: single nucleotide variant.
Coding change: c.3302A>C on transcript NM_000553.6 (MANE Select); coding-DNA position 3302, A replaced by C.
Protein change: p.Glu1101Ala; replaces glutamic acid 1101 with alanine.
Molecular consequence: missense variant.
Genome position (GRCh38, 1-based): chr8:31,142,694, A>C. VCF-style: chr8-31142694-A-C. GRCh37 (hg19) VCF-style: chr8-31000210-A-C.
Other names: short protein forms E1101A.
Identifiers: ClinVar variation 3709126 (VCV003709126.2).

ClinVar aggregate classification (germline): Uncertain significance (1 of 4 stars; one submission).

Conditions:
Werner syndrome (WRN). Identifiers: Orphanet 902, MedGen C0043119, MONDO:0010196, OMIM 277700.

gnomAD v4.1: 3 of 1,602,566 alleles (0.00019%); highest among the groups gnomAD compares: East Asian, 0.0067%; no homozygotes.

Submission:

Labcorp Genetics (formerly Invitae), Labcorp
Classification: Uncertain significance for Werner syndrome. Last evaluated: 2025-01-14. Review status: criteria provided, single submitter. Criteria: Invitae Variant Classification Sherloc (09022015). Collection method: clinical testing. Allele origin: germline.
Comment: This sequence change replaces glutamic acid, which is acidic and polar, with alanine, which is neutral and non-polar, at codon 1101 of the WRN protein (p.Glu1101Ala). This variant is present in population databases (rs781035646, gnomAD 0.01%). This variant has not been reported in the literature in individuals affected with WRN-related conditions. An algorithm developed to predict the effect of missense changes on protein structure and function (PolyPhen-2) suggests that this variant is likely to be tolerated. In summary, the available evidence is currently insufficient to determine the role of this variant in disease. Therefore, it has been classified as a Variant of Uncertain Significance.